The following is an entry in ClinVar:

ClinVar aggregate classification (germline): Pathogenic. Review status: criteria provided, multiple submitters, no conflicts (2 of 4 stars). 5 submissions from 5 submitters: Pathogenic (5). Last evaluated 2025-09-08.

Conditions:
Hereditary spastic paraplegia 7 (SPG7). Also called: SPG7-related neurologic disorder; Autosomal recessive spastic paraplegia type 7; SPASTIC PARAPLEGIA 7, AUTOSOMAL RECESSIVE, WITH OR WITHOUT CEREBELLAR ATAXIA; Spastic paraplegia 7; Hereditary spastic paraplegia Paraplegin type. Identifiers: Orphanet 99013, MedGen C1846564, MONDO:0011803, OMIM 607259.

Submissions (5):

Rady Children's Institute for Genomic Medicine, Rady Children's Hospital San Diego
Classification: Pathogenic for Spastic paraplegia 7. Last evaluated: 2025-09-08. Review status: criteria provided, single submitter. Criteria: ACMG Guidelines, 2015. Collection method: clinical testing. Allele origin: germline. Affected: yes.
Comment: This frameshifting variant in exon 15 of 17 is predicted to result in loss of normal protein function through either protein truncation or nonsense-mediated mRNA decay. Loss-of-function variation in SPG7 is an established mechanism of disease (PMID: 22964162). This variant has been previously reported as a compound heterozygous change in patients with spastic paraplegia 7 (PMID: 33774748, 38617022). The c.1939del (p.Ala647HisfsTer5) variant is present in the latest version of the gnomAD population database at an allele frequency of 0.0006% (9/1613330), and is absent in the homozygous state, thus is presumed to be rare. Based on the available evidence, c.1939del (p.Ala647HisfsTer5) is classified as Pathogenic.

Fulgent Genetics
Classification: Pathogenic for Hereditary spastic paraplegia 7. Last evaluated: 2024-05-08. Review status: criteria provided, single submitter. Criteria: ACMG Guidelines, 2015. Collection method: clinical testing. Allele origin: germline.

3billion
Classification: Pathogenic for Hereditary spastic paraplegia 7. Last evaluated: 2022-09-01. Review status: criteria provided, single submitter. Criteria: ACMG Guidelines, 2015. Collection method: clinical testing. Allele origin: germline. Affected: yes. Observed: 1 heterozygote.
Comment: The variant is observed at an extremely low frequency in the gnomAD v2.1.1 dataset (total allele frequency: <0.001%). This variant on the canonical splice site is predicted to alter splicing, resulting in a loss or disruption of normal protein function. Multiple pathogenic loss-of-function variants are reported downstream of the variant. The variant has been reported at least twice as pathogenic without evidence for the classification (ClinVar ID: VCV000817991). Therefore, this variant is classified as Pathogenic according to the recommendation of ACMG/AMP guideline.

Labcorp Genetics (formerly Invitae), Labcorp
Classification: Pathogenic for Hereditary spastic paraplegia 7. Last evaluated: 2021-06-24. Review status: criteria provided, single submitter. Criteria: Invitae Variant Classification Sherloc (09022015). Collection method: clinical testing. Allele origin: germline.
Comment: For these reasons, this variant has been classified as Pathogenic. This variant has not been reported in the literature in individuals with SPG7-related conditions. ClinVar contains an entry for this variant (Variation ID: 817991). This variant is not present in population databases (ExAC no frequency). This sequence change creates a premature translational stop signal (p.Ala647Hisfs*5) in the SPG7 gene. It is expected to result in an absent or disrupted protein product. Loss-of-function variants in SPG7 are known to be pathogenic (PMID: 21623769, 22964162).

GeneDx
Classification: Pathogenic. Last evaluated: 2019-01-22. Review status: criteria provided, single submitter. Criteria: GeneDx Variant Classification (06012015). Collection method: clinical testing. Allele origin: germline. Affected: yes.
Comment: The c.1939delG variant causes a frameshift starting with codon Alanine 647, changes this amino acid to a Histidine residue, and creates a premature Stop codon at position 5 of the new reading frame, denoted p.Ala647HisfsX5. This variant is predicted to cause loss of normal protein function either through protein truncation or nonsense-mediated mRNA decay. The c.1939delG variant is not observed in large population cohorts (Lek et al., 2016). Although the c.1939delG has not been reported previously to our knowledge, other loss-of-function variants in the SPG7 gene have been reported in the Human Gene Mutation Database in association with SPG7-related disorders (Stenson et al., 2014).

Literature cited by the submitters: PubMed 22964162 (cited by Rady Children's Institute for Genomic Medicine, Rady Children's Hospital San Diego and Labcorp Genetics (formerly Invitae), Labcorp); PubMed 33774748 (cited by Rady Children's Institute for Genomic Medicine, Rady Children's Hospital San Diego); PubMed 38617022 (cited by Rady Children's Institute for Genomic Medicine, Rady Children's Hospital San Diego); PubMed 21623769 (cited by Labcorp Genetics (formerly Invitae), Labcorp).

NM_003119.4(SPG7):c.1939del

Gene: SPG7 (SPG7 matrix AAA peptidase subunit, paraplegin; plus strand). Cytogenetic location: 16q24.3.
Variant type: Deletion.
Coding change: c.1939del on transcript NM_003119.4 (MANE Select); coding-DNA position 1939, one base deleted (G; older notation c.1939delG).
Molecular consequence: splice acceptor variant.
Genome position (GRCh38, 1-based): chr16:89,553,796, G deleted; the last of 4 consecutive G bases (chr16:89,553,793-89,553,796); deleting any one gives the same sequence. VCF-style (leftmost placement, unchanged base first): chr16-89553792-AG-A. GRCh37 (hg19) VCF-style: chr16-89620200-AG-A.
Other names: c.1939delG (NM_003119.2).
Identifiers: ClinVar variation 817991 (VCV000817991.12), dbSNP rs1567934181, ClinGen allele CA919768401.
Genomic context (GRCh38, chr16:89,553,792, plus strand): 5'-GGCCCAGCACTGCTCTGCGCCTGCAGTGCTGAGGATGCCTCTGTCTCGACCCCGCCCTCC[AG>A]GGGCACAGGACGACCTGAGGAAGGTCACCCGCATCGCCTACTCCATGGTGAAGCAGTTTG-3'